The following is an entry in ClinVar:

NM_000124.4(ERCC6):c.4211G>A (p.Arg1404His)

Gene: ERCC6 (ERCC excision repair 6, chromatin remodeling factor; minus strand). Cytogenetic location: 10q11.23.
Variant type: single nucleotide variant.
Coding change: c.4211G>A on transcript NM_000124.4 (MANE Select); coding-DNA position 4211, G replaced by A.
Protein change: p.Arg1404His; replaces arginine 1404 with histidine.
Molecular consequence: missense variant.
Genome position (GRCh38, 1-based): chr10:49,459,086, C>T on the plus strand (G>A on the coding strand, the complement: ERCC6 is on the minus strand). VCF-style: chr10-49459086-C-T. GRCh37 (hg19) VCF-style: chr10-50667132-C-T.
Other names: c.4211G>A, p.Arg1404His (NM_001346440.2); short protein forms R1404H.
Identifiers: ClinVar variation 300038 (VCV000300038.30), dbSNP rs755854972, ClinGen allele CA5495154.
Genomic context (GRCh38, chr10:49,459,086, plus strand): 5'-TGTTCTGTGGTGGGCAGCAGGGCAGAAGCTTCCTGCAGGTGCCCGCTTTCACTTTCTAAA[C>T]GCTCTGGCAGAATCAGGTGGTTTCTAGCTCTCATTTTAGCCAAGAGTGAGGAGGAAGCGA-3'
Protein context (NP_000115.1, residues 1394-1414): RARNHLILPE[Arg1404His]LESESGHLQE

ClinVar aggregate classification (germline): Uncertain significance. Review status: criteria provided, multiple submitters, no conflicts (2 of 4 stars). 5 submissions from 3 submitters: Uncertain significance (5). Last evaluated 2023-02-01.

Conditions:
Age related macular degeneration 5. Identifiers: MedGen C3151063, MONDO:0013409, OMIM 613761.
Cerebrooculofacioskeletal syndrome 1 (COFS1). Also called: Cerebro-oculo-facio-skeletal syndrome 1. Identifiers: MedGen C0220722, MONDO:0008955, OMIM 214150.
Cockayne syndrome type 2 (CSB). Also called: COCKAYNE SYNDROME B; Cockayne Syndrome, Type II. Identifiers: Orphanet 191, Orphanet 90322, MedGen C0751038, MONDO:0019570, OMIM 133540.

Allele frequency attached by ClinVar (database versions not stated): gnomAD exomes 0.00002 and 0.00008; gnomAD 0.00003 and 0.00004; ExAC 0.00009; TOPMed 0.00009.

Submissions (5):

CeGaT Center for Human Genetics Tuebingen
Classification: Uncertain significance. Last evaluated: 2023-02-01. Review status: criteria provided, single submitter. Criteria: CeGaT Center For Human Genetics Tuebingen Variant Classification Criteria Version 2. Collection method: clinical testing. Allele origin: germline. Affected: yes. Observed: 1 variant allele.
Comment: ERCC6: PM2

Labcorp Genetics (formerly Invitae), Labcorp
Classification: Uncertain significance. Last evaluated: 2022-05-14. Review status: criteria provided, single submitter. Criteria: Invitae Variant Classification Sherloc (09022015). Collection method: clinical testing. Allele origin: germline.
Comment: This sequence change replaces arginine, which is basic and polar, with histidine, which is basic and polar, at codon 1404 of the ERCC6 protein (p.Arg1404His). This variant is present in population databases (rs755854972, gnomAD 0.05%). This variant has not been reported in the literature in individuals affected with ERCC6-related conditions. ClinVar contains an entry for this variant (Variation ID: 300038). Algorithms developed to predict the effect of missense changes on protein structure and function (SIFT, PolyPhen-2, Align-GVGD) all suggest that this variant is likely to be disruptive. In summary, the available evidence is currently insufficient to determine the role of this variant in disease. Therefore, it has been classified as a Variant of Uncertain Significance.

Illumina Laboratory Services, Illumina
Classification: Uncertain significance for Age related macular degeneration 5. Last evaluated: 2018-01-13. Review status: criteria provided, single submitter. Criteria: ICSL Variant Classification Criteria 13 December 2019. Collection method: clinical testing. Allele origin: germline.

Illumina Laboratory Services, Illumina
Classification: Uncertain significance for Cerebrooculofacioskeletal syndrome 1. Last evaluated: 2018-01-13. Review status: criteria provided, single submitter. Criteria: ICSL Variant Classification Criteria 13 December 2019. Collection method: clinical testing. Allele origin: germline.

Illumina Laboratory Services, Illumina
Classification: Uncertain significance for Cockayne syndrome type 2. Last evaluated: 2018-01-13. Review status: criteria provided, single submitter. Criteria: ICSL Variant Classification Criteria 13 December 2019. Collection method: clinical testing. Allele origin: germline.